The following is an entry in ClinVar:

NM_000108.5(DLD):c.936C>A (p.Cys312Ter)

Gene: DLD (dihydrolipoamide dehydrogenase; plus strand). Cytogenetic location: 7q31.1.
Variant type: single nucleotide variant.
Coding change: c.936C>A on transcript NM_000108.5 (MANE Select); coding-DNA position 936, C replaced by A.
Protein change: p.Cys312Ter; replaces cysteine 312 with a stop codon.
Molecular consequence: nonsense.
Genome position (GRCh38, 1-based): chr7:107,916,854, C>A. VCF-style: chr7-107916854-C-A. GRCh37 (hg19) VCF-style: chr7-107557299-C-A.
Other names: c.639C>A, p.Cys213Ter (NM_001289750.1); c.867C>A, p.Cys289Ter (NM_001289751.1); c.792C>A, p.Cys264Ter (NM_001289752.1); short protein forms C213*, C264*, C289*, C312*.
Identifiers: ClinVar variation 983933 (VCV000983933.3), dbSNP rs2032282970, ClinGen allele CA368857596.

ClinVar aggregate classification (germline): Likely pathogenic (1 of 4 stars; one submission).

Conditions:
Pyruvate dehydrogenase E3 deficiency (DLDD). Also called: Dihydrolipoamide Dehydrogenase E3 Deficiency; DLD DEFICIENCY; E3 DEFICIENCY; Dihydrolipoamide Dehydrogenase (E3) Deficiency; Lipoamide dehydrogenase deficiency; MAPLE SYRUP URINE DISEASE, TYPE III. Identifiers: Orphanet 2394, Orphanet 765, MedGen C5574660, MONDO:0009529, OMIM 246900.

Submission:

Myriad Genetics, Inc.
Classification: Likely pathogenic for Pyruvate dehydrogenase E3 deficiency. Last evaluated: 2020-01-21. Review status: criteria provided, single submitter. Criteria: Myriad Women's Health Autosomal Recessive and X-Linked Classification Criteria (2019). Collection method: clinical testing. Allele origin: unknown.
Comment: NM_000108.3(DLD):c.936C>A(C312*) is expected to be pathogenic in the context of dihydrolipoamide dehydrogenase deficiency. This variant is predicted to lead to an abnormal or absent protein product due to the creation of a premature termination codon in DLD, a gene where loss-of-function variants are known to be pathogenic. Please note: this variant was assessed in the context of healthy population screening.